The following is an entry in ClinVar:

ClinVar aggregate classification (germline): Uncertain significance (1 of 4 stars; one submission).

Conditions:
Cardiac arrhythmia. Also called: Arrhythmia; Cardiac rhythm disease. Identifiers: MedGen C0003811, MONDO:0007263, HP:0011675.

Submission:

Labcorp Genetics (formerly Invitae), Labcorp
Classification: Uncertain significance for Cardiac arrhythmia. Last evaluated: 2026-01-14. Review status: criteria provided, single submitter. Criteria: Invitae Variant Classification Sherloc (09022015). Collection method: clinical testing. Allele origin: germline.
Comment: This sequence change replaces proline, which is neutral and non-polar, with serine, which is neutral and polar, at codon 87 of the RANGRF protein (p.Pro87Ser). This variant is not present in population databases (gnomAD no frequency). This variant has not been reported in the literature in individuals affected with RANGRF-related conditions. An algorithm developed to predict the effect of missense changes on protein structure and function (PolyPhen-2) suggests that this variant is likely to be tolerated. In summary, the available evidence is currently insufficient to determine the role of this variant in disease. Therefore, it has been classified as a Variant of Uncertain Significance.

NM_016492.5(RANGRF):c.259C>T (p.Pro87Ser)

Genes: RANGRF (RAN guanine nucleotide release factor; plus strand), SLC25A35 (solute carrier family 25 member 35; minus strand). Cytogenetic location: 17p13.1.
Variant type: single nucleotide variant.
Coding change: c.259C>T on transcript NM_016492.5 (MANE Select); coding-DNA position 259, C replaced by T.
Protein change: p.Pro87Ser; replaces proline 87 with serine.
Molecular consequence: missense variant. On other transcripts: 3 prime UTR variant (2), non-coding transcript variant (2), intron variant (1).
Genome position (GRCh38, 1-based): chr17:8,289,322, C>T. VCF-style: chr17-8289322-C-T. GRCh37 (hg19) VCF-style: chr17-8192640-C-T.
Other names: c.259C>T, p.Pro87Ser (NM_001177801.2, NM_001177802.2, NM_001330127.2); c.*161G>A (NM_001320872.2); c.*294G>A (NM_201520.3); c.*42+252G>A (NM_001320871.2); short protein forms P87S.
Identifiers: ClinVar variation 4750761 (VCV004750761.1).